The following is an entry in ClinVar:

ClinVar aggregate classification (germline): Uncertain significance (1 of 4 stars; one submission).

Allele frequency attached by ClinVar (database versions not stated): gnomAD exomes below 0.00001; ExAC 0.00001.
gnomAD v4.1: 5 of 1,584,490 alleles (0.00032%); highest among the groups gnomAD compares: Non-Finnish European, 0.00034%; no homozygotes.

Submission:

Labcorp Genetics (formerly Invitae), Labcorp
Classification: Uncertain significance. Last evaluated: 2024-10-07. Review status: criteria provided, single submitter. Criteria: Invitae Variant Classification Sherloc (09022015). Collection method: clinical testing. Allele origin: germline.
Comment: This sequence change replaces arginine, which is basic and polar, with glutamine, which is neutral and polar, at codon 914 of the LIFR protein (p.Arg914Gln). This variant is present in population databases (rs759107507, gnomAD 0.001%). This variant has not been reported in the literature in individuals affected with LIFR-related conditions. ClinVar contains an entry for this variant (Variation ID: 2200663). An algorithm developed to predict the effect of missense changes on protein structure and function outputs the following: PolyPhen-2: "Benign". The glutamine amino acid residue is found in multiple mammalian species, which suggests that this missense change does not adversely affect protein function. In summary, the available evidence is currently insufficient to determine the role of this variant in disease. Therefore, it has been classified as a Variant of Uncertain Significance.

NM_001127671.2(LIFR):c.2741G>A (p.Arg914Gln)

Gene: LIFR (LIF receptor subunit alpha; minus strand). Cytogenetic location: 5p13.1.
Variant type: single nucleotide variant.
Coding change: c.2741G>A on transcript NM_001127671.2 (MANE Select); coding-DNA position 2741, G replaced by A.
Protein change: p.Arg914Gln; replaces arginine 914 with glutamine.
Molecular consequence: missense variant.
Genome position (GRCh38, 1-based): chr5:38,482,148, C>T on the plus strand (G>A on the coding strand, the complement: LIFR is on the minus strand). VCF-style: chr5-38482148-C-T. GRCh37 (hg19) VCF-style: chr5-38482250-C-T.
Other names: c.2741G>A, p.Arg914Gln (NM_001364297.2, NM_002310.6); c.2708G>A, p.Arg903Gln (NM_001364298.2); short protein forms R914Q, R903Q.
Identifiers: ClinVar variation 2200663 (VCV002200663.4), dbSNP rs759107507, ClinGen allele CA3242572.